The following is an entry in ClinVar:

ClinVar aggregate classification (germline): Benign/Likely benign. Review status: criteria provided, multiple submitters, no conflicts (2 of 4 stars). 5 submissions from 5 submitters: Benign (2); Likely benign (3). Last evaluated 2026-02-13.

Allele frequency attached by ClinVar (database versions not stated): 1000 Genomes Project 30x 0.00047; 1000 Genomes Project 0.00060; TOPMed 0.00061; ESP Exome Variant Server 0.00062; gnomAD 0.00072 and 0.00073; gnomAD exomes 0.00089 and 0.00108; ExAC 0.00157.
gnomAD v4.1: 1,386 of 1,599,030 alleles (0.087%); highest among the groups gnomAD compares: Non-Finnish European, 0.089%; 2 homozygotes.

Submissions (5):

Women's Health and Genetics/Laboratory Corporation of America, LabCorp
Classification: Benign. Last evaluated: 2026-02-13. Review status: criteria provided, single submitter. Criteria: LabCorp Variant Classification Summary - May 2015. Collection method: clinical testing. Allele origin: germline.
Comment: Variant summary: TCF3 c.822+14C>T alters a nucleotide located at a position not widely known to affect splicing. Several computational tools predict a significant impact on normal splicing: Three predict the variant creates a 5' donor site. However, these predictions have yet to be confirmed by functional studies. The variant allele was found at a frequency of 0.0011 in 214930 control chromosomes, predominantly at a frequency of 0.0013 within the Non-Finnish European subpopulation in the gnomAD database. The observed variant frequency within Non-Finnish European control individuals in the gnomAD database exceeds the estimated maximal expected allele frequency for disease-causing variants in TCF3. To our knowledge, no occurrence of c.822+14C>T in individuals affected with TCF3-related conditions and no experimental evidence demonstrating its impact on protein function have been reported. ClinVar contains an entry for this variant (Variation ID: 445955). Based on the evidence outlined above, the variant was classified as benign.

Labcorp Genetics (formerly Invitae), Labcorp
Classification: Benign. Last evaluated: 2026-02-03. Review status: criteria provided, single submitter. Criteria: Invitae Variant Classification Sherloc (09022015). Collection method: clinical testing. Allele origin: germline.

ARUP Laboratories, Molecular Genetics and Genomics, ARUP Laboratories
Classification: Likely benign. Last evaluated: 2025-07-25. Review status: criteria provided, single submitter. Criteria: ARUP Molecular Germline Variant Investigation Process 2024. Collection method: clinical testing. Allele origin: germline.

Blueprint Genetics
Classification: Likely benign. Last evaluated: 2024-11-15. Review status: criteria provided, single submitter. Criteria: ACMG Guidelines, 2015. Collection method: clinical testing. Allele origin: germline.

Center for Pediatric Genomic Medicine, Children's Mercy Hospital and Clinics
Classification: Likely benign. Last evaluated: 2017-07-27. Review status: criteria provided, single submitter. Criteria: ACMG Guidelines, 2015. Collection method: clinical testing. Allele origin: germline.

NM_003200.5(TCF3):c.822+14C>T

Gene: TCF3 (transcription factor 3; minus strand). Cytogenetic location: 19p13.3.
Variant type: single nucleotide variant.
Coding change: c.822+14C>T on transcript NM_003200.5 (MANE Select); 14 bases into the intron after coding-DNA position 822, C replaced by T.
Molecular consequence: intron variant.
Genome position (GRCh38, 1-based): chr19:1,622,040, G>A on the plus strand (C>T on the coding strand, the complement: TCF3 is on the minus strand). VCF-style: chr19-1622040-G-A. GRCh37 (hg19) VCF-style: chr19-1622039-G-A.
Other names: c.822+14C>T (NM_001351778.2, NM_001136139.4, NM_001351779.2).
Identifiers: ClinVar variation 445955 (VCV000445955.13), dbSNP rs201725633, ClinGen allele CA9050223.